The following is an entry in ClinVar:

NM_001101362.3(KBTBD13):c.*122T>C

Gene: KBTBD13 (kelch repeat and BTB domain containing 13; plus strand). Cytogenetic location: 15q22.31.
Variant type: single nucleotide variant.
Coding change: c.*122T>C on transcript NM_001101362.3 (MANE Select); 122 bases downstream of the stop codon, T replaced by C.
Molecular consequence: 3 prime UTR variant.
Genome position (GRCh38, 1-based): chr15:65,078,314, T>C. VCF-style: chr15-65078314-T-C. GRCh37 (hg19) VCF-style: chr15-65370652-T-C.
Identifiers: ClinVar variation 316756 (VCV000316756.8), dbSNP rs12901617, ClinGen allele CA10647262.

ClinVar aggregate classification (germline): Benign. Review status: criteria provided, multiple submitters, no conflicts (2 of 4 stars). 3 submissions from 3 submitters: Benign (3). Last evaluated 2018-06-14.

Conditions:
Nemaline myopathy 6 (NEM6). Also called: Nemaline myopathy 6, autosomal dominant. Identifiers: Orphanet 171439, MedGen C1836472, MONDO:0012237, OMIM 609273.

Allele frequency attached by ClinVar (database versions not stated): TOPMed 0.40577; 1000 Genomes Project 30x 0.38757; gnomAD 0.42025 and 0.41689; 1000 Genomes Project 0.39077.
gnomAD v4.1: 657,060 of 1,369,638 alleles (48%); highest among the groups gnomAD compares: South Asian, 58%; 161,140 homozygotes.

Submissions (3):

GeneDx
Classification: Benign. Last evaluated: 2018-06-14. Review status: criteria provided, single submitter. Criteria: GeneDx Variant Classification Process June 2021. Collection method: clinical testing. Allele origin: germline. Affected: yes.

Illumina Laboratory Services, Illumina
Classification: Benign for Nemaline myopathy 6. Last evaluated: 2018-01-13. Review status: criteria provided, single submitter. Criteria: ICSL Variant Classification Criteria 13 December 2019. Collection method: clinical testing. Allele origin: germline.
Comment: This variant was observed in the ICSL laboratory as part of a predisposition screen in an ostensibly healthy population. It had not been previously curated by ICSL or reported in the Human Gene Mutation Database (HGMD: prior to June 1st, 2018), and was therefore a candidate for classification through an automated scoring system. Utilizing variant allele frequency, disease prevalence and penetrance estimates, and inheritance mode, an automated score was calculated to assess if this variant is too frequent to cause the disease. Based on the score and internal cut-off values, a variant classified as benign is not then subjected to further curation. The score for this variant resulted in a classification of benign for this disease.

Breakthrough Genomics
Classification: Benign. Review status: criteria provided, single submitter. Criteria: ACMG Guidelines, 2015. Collection method: not provided. Allele origin: germline. Inheritance: Autosomal dominant inheritance. Affected: yes.